The following is an entry in ClinVar:

ClinVar aggregate classification (germline): Uncertain significance. Review status: criteria provided, multiple submitters, no conflicts (2 of 4 stars). 2 submissions from 2 submitters: Uncertain significance (2). Last evaluated 2025-07-13.

Conditions:
Myofibrillar myopathy 5. Also called: FILAMINOPATHY, AUTOSOMAL DOMINANT; Filaminopathy (type). Identifiers: Orphanet 171445, MedGen C1836050, MONDO:0012289, OMIM 609524.
Distal myopathy with posterior leg and anterior hand involvement. Also called: WILLIAMS DISTAL MYOPATHY. Identifiers: Orphanet 63273, MedGen C3279722, MONDO:0013550, OMIM 614065.
Hypertrophic cardiomyopathy 26. Also called: Cardiomyopathy, familial hypertrophic, 26. Identifiers: Orphanet 75249, MedGen C4310749, MONDO:0014883, OMIM 617047.
Cardiovascular phenotype. Identifiers: MedGen CN230736.

gnomAD v4.1: 1 of 1,613,632 alleles (0.000062%); highest among the groups gnomAD compares: Admixed American, 0.0017%; no homozygotes.

Submissions (2):

Ambry Genetics
Classification: Uncertain significance for Cardiovascular phenotype. Last evaluated: 2025-07-13. Review status: criteria provided, single submitter. Criteria: Ambry Variant Classification Scheme 2023. Collection method: clinical testing. Allele origin: germline.
Comment: The p.A1475S variant (also known as c.4423G>T), located in coding exon 25 of the FLNC gene, results from a G to T substitution at nucleotide position 4423. The alanine at codon 1475 is replaced by serine, an amino acid with similar properties. This amino acid position is conserved. In addition, the in silico prediction for this alteration is inconclusive. Based on the available evidence, the clinical significance of this variant remains unclear.

Labcorp Genetics (formerly Invitae), Labcorp
Classification: Uncertain significance for Distal myopathy with posterior leg and anterior hand involvement; Myofibrillar myopathy 5; Hypertrophic cardiomyopathy 26. Last evaluated: 2024-11-21. Review status: criteria provided, single submitter. Criteria: Invitae Variant Classification Sherloc (09022015). Collection method: clinical testing. Allele origin: germline.
Comment: This sequence change replaces alanine, which is neutral and non-polar, with serine, which is neutral and polar, at codon 1475 of the FLNC protein (p.Ala1475Ser). This variant is not present in population databases (gnomAD no frequency). This variant has not been reported in the literature in individuals affected with FLNC-related conditions. ClinVar contains an entry for this variant (Variation ID: 1489765). Invitae Evidence Modeling of protein sequence and biophysical properties (such as structural, functional, and spatial information, amino acid conservation, physicochemical variation, residue mobility, and thermodynamic stability) has been performed for this missense variant. However, the output from this modeling did not meet the statistical confidence thresholds required to predict the impact of this variant on FLNC protein function. In summary, the available evidence is currently insufficient to determine the role of this variant in disease. Therefore, it has been classified as a Variant of Uncertain Significance.

NM_001458.5(FLNC):c.4423G>T (p.Ala1475Ser)

Gene: FLNC (filamin C; plus strand). Cytogenetic location: 7q32.1.
Variant type: single nucleotide variant.
Coding change: c.4423G>T on transcript NM_001458.5 (MANE Select); coding-DNA position 4423, G replaced by T.
Protein change: p.Ala1475Ser; replaces alanine 1475 with serine.
Molecular consequence: missense variant.
Genome position (GRCh38, 1-based): chr7:128,847,831, G>T. VCF-style: chr7-128847831-G-T. GRCh37 (hg19) VCF-style: chr7-128487885-G-T.
Other names: c.4423G>T, p.Ala1475Ser (NM_001127487.2); c.4423G>T (NM_001458.4); short protein forms A1475S.
Identifiers: ClinVar variation 1489765 (VCV001489765.9), dbSNP rs982026083, ClinGen allele CA166183036.
Genomic context (GRCh38, chr7:128,847,831, plus strand): 5'-GCTGGTGTCAGGGCCCGGGTTCCTCAGACCTTCACAGTGGATTGCAGTCAAGCTGGCCGG[G>T]CGCCCCTGCAGGTGGCTGTGCTGGGCCCCACAGGTATAGAATGGCCGGGGCAGGGAGGAG-3'
Protein context (NP_001449.3, residues 1465-1485): FTVDCSQAGR[Ala1475Ser]PLQVAVLGPT